The following is an entry in ClinVar:

ClinVar aggregate classification (germline): Uncertain significance (1 of 4 stars; one submission).

Conditions:
Tuberous sclerosis 2 (TSC2). Identifiers: Orphanet 805, MedGen C1860707, MONDO:0013199, OMIM 613254.

Submission:

Labcorp Genetics (formerly Invitae), Labcorp
Classification: Uncertain significance for Tuberous sclerosis 2. Last evaluated: 2022-09-01. Review status: criteria provided, single submitter. Criteria: Invitae Variant Classification Sherloc (09022015). Collection method: clinical testing. Allele origin: germline.
Comment: ClinVar contains an entry for this variant (Variation ID: 1486962). This variant has not been reported in the literature in individuals affected with TSC2-related conditions. This variant is not present in population databases (gnomAD no frequency). This sequence change falls in intron 26 of the TSC2 gene. It does not directly change the encoded amino acid sequence of the TSC2 protein. Loss-of-function variants in TSC2 are known to be pathogenic (PMID: 10205261, 17304050). However, tissue-specific alternative splicing of TSC2 gene results in a functional isoform lacking in-frame exon 26 (also known as exon 25, PMID: 26703369). For this reason the clinical significance of loss of function variants in exon 26 is currently uncertain. Variants that disrupt the consensus splice site are a relatively common cause of aberrant splicing (PMID: 17576681, 9536098). Algorithms developed to predict the effect of sequence changes on RNA splicing suggest that this variant may disrupt the consensus splice site. In summary, the available evidence is currently insufficient to determine the role of this variant in disease. Therefore, it has been classified as a Variant of Uncertain Significance.

Literature cited by the submitters: PubMed 10205261; PubMed 17304050; PubMed 17576681; PubMed 9536098.

NM_000548.5(TSC2):c.2966+3A>C

Gene: TSC2 (TSC complex subunit 2; plus strand). Cytogenetic location: 16p13.3.
Variant type: single nucleotide variant.
Coding change: c.2966+3A>C on transcript NM_000548.5 (MANE Select); 3 bases into the intron after coding-DNA position 2966, A replaced by C.
Molecular consequence: intron variant.
Genome position (GRCh38, 1-based): chr16:2,077,729, A>C. VCF-style: chr16-2077729-A-C. GRCh37 (hg19) VCF-style: chr16-2127730-A-C.
Other names: c.2966+3A>C (NM_001114382.3); c.2837+1144A>C (NM_021055.3, NM_001370405.1, NM_001363528.2 and 2 more transcripts); c.2726+1144A>C (NM_001318827.2); c.2237+1144A>C (NM_001318831.2); c.2690+1144A>C (NM_001318829.2); c.2870+1144A>C (NM_001318832.2).
Identifiers: ClinVar variation 1486962 (VCV001486962.6), dbSNP rs1332708335, ClinGen allele CA2573151624.
Genomic context (GRCh38, chr16:2,077,729, plus strand): 5'-CTGCAGCCGAGGCCTTCCGGTGCCGCAGCATCAGTGTGTCTGAACATGTGGTCCGCAGGT[A>C]GCGGGACTGTCGGGTGGGGGGCACGGACCCTGGAGCTTGGCCCCGTGAGCACCTGGGTGG-3'